The following is an entry in ClinVar:

NM_000090.4(COL3A1):c.217G>C (p.Asp73His)

Gene: COL3A1 (collagen type III alpha 1 chain; plus strand). Cytogenetic location: 2q32.2.
Variant type: single nucleotide variant.
Coding change: c.217G>C on transcript NM_000090.4 (MANE Select); coding-DNA position 217, G replaced by C.
Protein change: p.Asp73His; replaces aspartic acid 73 with histidine.
Molecular consequence: missense variant.
Genome position (GRCh38, 1-based): chr2:188,984,897, G>C. VCF-style: chr2-188984897-G-C. GRCh37 (hg19) VCF-style: chr2-189849623-G-C.
Other names: short protein forms D73H.
Identifiers: ClinVar variation 263844 (VCV000263844.39), dbSNP rs200246388, ClinGen allele CA075056.
Genomic context (GRCh38, chr2:188,984,897, plus strand): 5'-TGTGTCTGTGACTCAGGATCCGTTCTCTGCGATGACATAATATGTGACGATCAAGAATTA[G>C]ACTGCCCCAACCCAGAAATTCCATTTGGAGAATGTTGTGCAGTTTGCCCACAGCCTCCAA-3'
Protein context (NP_000081.2, residues 63-83): DDIICDDQEL[Asp73His]CPNPEIPFGE

ClinVar aggregate classification (germline): Conflicting classifications of pathogenicity. Review status: criteria provided, conflicting classifications (1 of 4 stars). 10 submissions from 10 submitters: Uncertain significance (2); Benign (2); Likely benign (6). Last evaluated 2026-04-01.

Conditions:
Ehlers-Danlos syndrome (EDS). Identifiers: Orphanet 98249, MedGen C0013720, MONDO:0020066.
Familial thoracic aortic aneurysm and aortic dissection (TAAD). Also called: Thoracic aortic aneurysms and dissections. Identifiers: Orphanet 91387, MedGen C4707243, MONDO:0019625.
Ehlers-Danlos syndrome, type 4 (EDSVASC). Also called: Ehlers-Danlos syndrome vascular type; Ehlers Danlos syndrome, ecchymotic type; Ehlers Danlos syndrome, arterial type; Ehlers Danlos syndrome, Sack-Barabas type; Ehlers-Danlos Syndrome Type IV. Identifiers: Orphanet 286, MedGen C0268338, MONDO:0017314, OMIM 130050.

Allele frequency attached by ClinVar (database versions not stated): TOPMed 0.00005; gnomAD 0.00006 and 0.00009; gnomAD exomes 0.00011 and 0.00014; ExAC 0.00015.
gnomAD v4.1: 173 of 1,613,214 alleles (0.011%); highest among the groups gnomAD compares: South Asian, 0.09%; 1 homozygote.

Submissions (10):

CeGaT Center for Human Genetics Tuebingen
Classification: Likely benign. Last evaluated: 2026-04-01. Review status: criteria provided, single submitter. Criteria: CeGaT Center For Human Genetics Tuebingen Variant Classification Criteria Version 2. Collection method: clinical testing. Allele origin: germline. Affected: yes. Observed: 1 variant allele.
Comment: COL3A1: BP4

Labcorp Genetics (formerly Invitae), Labcorp
Classification: Likely benign for Ehlers-Danlos syndrome, type 4. Last evaluated: 2026-01-27. Review status: criteria provided, single submitter. Criteria: Invitae Variant Classification Sherloc (09022015). Collection method: clinical testing. Allele origin: germline.

Women's Health and Genetics/Laboratory Corporation of America, LabCorp
Classification: Likely benign. Last evaluated: 2025-11-18. Review status: criteria provided, single submitter. Criteria: LabCorp Variant Classification Summary - May 2015. Collection method: clinical testing. Allele origin: germline.
Comment: Variant summary: COL3A1 c.217G>C (p.Asp73His) results in a non-conservative amino acid change located in the VWFC domain (IPR001007) of the encoded protein sequence. Algorithms developed to predict the effect of missense changes on protein structure and function are either unavailable or do not agree on the potential impact of this missense change. The variant allele was found at a frequency of 0.00014 in 250708 control chromosomes, predominantly at a frequency of 0.00075 within the South Asian subpopulation in the gnomAD database. The observed variant frequency within South Asian control individuals in the gnomAD database exceeds the estimated maximal expected allele frequency for disease-causing variants in COL3A1. To our knowledge, no occurrence of c.217G>C in individuals affected with COL3A1-related conditions and no experimental evidence demonstrating its impact on protein function have been reported. ClinVar contains an entry for this variant (Variation ID: 263844). Based on the evidence outlined above, the variant was classified as likely benign.

GeneDx
Classification: Uncertain significance. Last evaluated: 2025-06-17. Review status: criteria provided, single submitter. Criteria: GeneDx Variant Classification Process June 2021. Collection method: clinical testing. Allele origin: germline. Affected: yes.
Comment: Observed in individuals with ischemic stroke who also harbored additional variants potentially related to phenotype (PMID: 36973604); In silico analysis supports that this missense variant has a deleterious effect on protein structure/function; Not located in the triple helical region, where the majority of pathogenic missense variants occur (HGMD); This variant is associated with the following publications: (PMID: 36973604)

All of Us Research Program, National Institutes of Health
Classification: Likely benign for Ehlers-Danlos syndrome, type 4. Last evaluated: 2024-09-23. Review status: criteria provided, single submitter. Criteria: ACMG Guidelines, 2015. Collection method: clinical testing. Allele origin: germline. Inheritance: Autosomal dominant inheritance. Observed: 39 variant alleles, 39 heterozygotes.
Comment: This study involves interpretation of variants in research participants for the purpose of population health screening. Participant phenotype was not available at the time of variant classification. Additional details can be found in publication PMID: 35346344, PMCID: PMC8962531

Blueprint Genetics
Classification: Likely benign. Last evaluated: 2024-08-22. Review status: criteria provided, single submitter. Criteria: ACMG Guidelines, 2015. Collection method: clinical testing. Allele origin: germline.

Color Diagnostics, LLC DBA Color Health
Classification: Likely benign for Familial thoracic aortic aneurysm and aortic dissection. Last evaluated: 2024-02-07. Review status: criteria provided, single submitter. Criteria: ACMG Guidelines, 2015. Collection method: clinical testing. Allele origin: germline.

Ambry Genetics
Classification: Benign for Familial thoracic aortic aneurysm and aortic dissection. Last evaluated: 2023-12-21. Review status: criteria provided, single submitter. Criteria: Ambry Variant Classification Scheme 2023. Collection method: clinical testing. Allele origin: germline.

Genome Diagnostics Laboratory, The Hospital for Sick Children
Classification: Uncertain significance for Ehlers-Danlos syndrome. Last evaluated: 2019-06-01. Review status: criteria provided, single submitter. Criteria: ACMG Guidelines, 2015. Collection method: clinical testing. Allele origin: germline.

Illumina Laboratory Services, Illumina
Classification: Benign for Ehlers-Danlos syndrome, type 4. Last evaluated: 2018-01-12. Review status: criteria provided, single submitter. Criteria: ICSL Variant Classification Criteria 13 December 2019. Collection method: clinical testing. Allele origin: germline.
Comment: This variant was observed in the ICSL laboratory as part of a predisposition screen in an ostensibly healthy population. It had not been previously curated by ICSL or reported in the Human Gene Mutation Database (HGMD: prior to June 1st, 2018), and was therefore a candidate for classification through an automated scoring system. Utilizing variant allele frequency, disease prevalence and penetrance estimates, and inheritance mode, an automated score was calculated to assess if this variant is too frequent to cause the disease. Based on the score and internal cut-off values, a variant classified as benign is not then subjected to further curation. The score for this variant resulted in a classification of benign for this disease.